The following is an entry in ClinVar:

NM_001378454.1(ALMS1):c.10823G>T (p.Arg3608Leu)

Gene: ALMS1 (ALMS1 centrosome and basal body associated protein; plus strand). Cytogenetic location: 2p13.1.
Variant type: single nucleotide variant.
Coding change: c.10823G>T on transcript NM_001378454.1 (MANE Select); coding-DNA position 10823, G replaced by T.
Protein change: p.Arg3608Leu; replaces arginine 3608 with leucine.
Molecular consequence: missense variant.
Genome position (GRCh38, 1-based): chr2:73,572,700, G>T. VCF-style: chr2-73572700-G-T. GRCh37 (hg19) VCF-style: chr2-73799827-G-T.
Other names: c.10826G>T, p.Arg3609Leu (NM_015120.4); short protein forms R3608L, R3609L.
Identifiers: ClinVar variation 3373566 (VCV003373566.2).

ClinVar aggregate classification (germline): Uncertain significance. Review status: criteria provided, multiple submitters, no conflicts (2 of 4 stars). 2 submissions from 2 submitters: Uncertain significance (2). Last evaluated 2024-03-26.

Submissions (2):

GeneDx
Classification: Uncertain significance. Last evaluated: 2024-03-26. Review status: criteria provided, single submitter. Criteria: GeneDx Variant Classification Process June 2021. Collection method: clinical testing. Allele origin: germline. Affected: yes.
Comment: Not observed at significant frequency in large population cohorts (gnomAD); In silico analysis supports that this missense variant has a deleterious effect on protein structure/function; Has not been previously published as pathogenic or benign to our knowledge

Blueprint Genetics
Classification: Uncertain significance. Last evaluated: 2020-07-17. Review status: criteria provided, single submitter. Criteria: ACMG Guidelines, 2015. Collection method: clinical testing. Allele origin: germline.